The following is an entry in ClinVar:

ClinVar aggregate classification (germline): Likely benign. Review status: criteria provided, multiple submitters, no conflicts (2 of 4 stars). 2 submissions from 2 submitters: Likely benign (2). Last evaluated 2026-09-04.

Conditions:
BBS12-related disorder. Also called: BBS12-related condition.
Bardet-Biedl syndrome (BBS). Identifiers: Orphanet 110, MedGen C0752166, MONDO:0015229.

Allele frequency attached by ClinVar (database versions not stated): gnomAD exomes below 0.00001.
gnomAD v4.1: 1 of 1,614,166 alleles (0.000062%); highest among the groups gnomAD compares: Non-Finnish European, 0.000085%; no homozygotes.

Submissions (2):

PreventionGenetics, part of Exact Sciences
Classification: Likely benign for BBS12-related condition. Last evaluated: 2026-09-04. Review status: criteria provided, single submitter. Criteria: ACMG Guidelines, 2015. Collection method: clinical testing. Allele origin: germline.
Comment: This variant is classified as likely benign based on ACMG/AMP sequence variant interpretation guidelines (Richards et al. 2015 PMID: 25741868, with internal and published modifications).

Labcorp Genetics (formerly Invitae), Labcorp
Classification: Likely benign for Bardet-Biedl syndrome. Last evaluated: 2023-10-04. Review status: criteria provided, single submitter. Criteria: Invitae Variant Classification Sherloc (09022015). Collection method: clinical testing. Allele origin: germline.

NM_152618.3(BBS12):c.1314T>C (p.Asn438=)

Gene: BBS12 (Bardet-Biedl syndrome 12; plus strand). Cytogenetic location: 4q27.
Variant type: single nucleotide variant.
Coding change: c.1314T>C on transcript NM_152618.3 (MANE Select); coding-DNA position 1314, T replaced by C.
Protein change: p.Asn438=; no amino-acid change (asparagine 438 retained).
Molecular consequence: synonymous variant.
Genome position (GRCh38, 1-based): chr4:122,743,206, T>C. VCF-style: chr4-122743206-T-C. GRCh37 (hg19) VCF-style: chr4-123664361-T-C.
Other names: c.1314T>C, p.Asn438= (NM_001178007.2); c.1314T>C (NM_152618.2).
Identifiers: ClinVar variation 2800922 (VCV002800922.4), dbSNP rs2485076210, ClinGen allele CA441120992.